The following is an entry in ClinVar:

ClinVar aggregate classification (germline): Conflicting classifications of pathogenicity. Review status: criteria provided, conflicting classifications (1 of 4 stars). 2 submissions from 2 submitters: Uncertain significance (1); Likely benign (1). Last evaluated 2023-10-14.

Conditions:
Hereditary cancer-predisposing syndrome. Also called: Neoplastic Syndromes, Hereditary; Hereditary Cancer Syndrome; Hereditary neoplastic syndrome; Tumor predisposition. Identifiers: Orphanet 140162, MedGen C0027672, MeSH D009386, MONDO:0015356.
Hereditary breast ovarian cancer syndrome. Also called: Hereditary breast and ovarian cancer syndrome; BRCA1- and BRCA2-Associated Hereditary Breast and Ovarian Cancer; Hereditary breast and ovarian cancer; Hereditary breast and/or ovarian cancer syndrome; Hereditary breast and ovarian cancer syndrome (HBOC); Breast and ovarian cancer. Identifiers: Orphanet 145, MedGen C0677776, MeSH D061325, MONDO:0003582. Disease mechanism: loss of function.

Submissions (2):

Labcorp Genetics (formerly Invitae), Labcorp
Classification: Uncertain significance for Hereditary breast ovarian cancer syndrome. Last evaluated: 2023-10-14. Review status: criteria provided, single submitter. Criteria: Invitae Variant Classification Sherloc (09022015). Collection method: clinical testing. Allele origin: germline.
Comment: This sequence change replaces asparagine, which is neutral and polar, with lysine, which is basic and polar, at codon 1933 of the BRCA2 protein (p.Asn1933Lys). This variant is not present in population databases (gnomAD no frequency). This variant has not been reported in the literature in individuals affected with BRCA2-related conditions. ClinVar contains an entry for this variant (Variation ID: 2108548). Advanced modeling of protein sequence and biophysical properties (such as structural, functional, and spatial information, amino acid conservation, physicochemical variation, residue mobility, and thermodynamic stability) performed at Invitae indicates that this missense variant is not expected to disrupt BRCA2 protein function. In summary, the available evidence is currently insufficient to determine the role of this variant in disease. Therefore, it has been classified as a Variant of Uncertain Significance.

University of Washington Department of Laboratory Medicine, University of Washington
Classification: Likely benign for Hereditary cancer-predisposing syndrome. Last evaluated: 2023-03-23. Review status: criteria provided, single submitter. Criteria: Dines et al. (Genet Med. 2020). Collection method: curation. Allele origin: germline.
Comment: Missense variant in a coldspot region where missense variants are very unlikely to be pathogenic (PMID:31911673).

BRCA2 exon 11 coldspot. Reclassification based on statistical prior probability.

NM_000059.4(BRCA2):c.5799C>G (p.Asn1933Lys)

Gene: BRCA2 (BRCA2 DNA repair associated; plus strand). Cytogenetic location: 13q13.1.
Variant type: single nucleotide variant.
Coding change: c.5799C>G on transcript NM_000059.4 (MANE Select); coding-DNA position 5799, C replaced by G.
Protein change: p.Asn1933Lys; replaces asparagine 1933 with lysine.
Molecular consequence: missense variant.
Genome position (GRCh38, 1-based): chr13:32,340,154, C>G. VCF-style: chr13-32340154-C-G. GRCh37 (hg19) VCF-style: chr13-32914291-C-G.
Other names: c.5799C>G, p.Asn1933Lys (NM_001406719.1, NM_001406720.1); short protein forms N1933K.
Identifiers: ClinVar variation 2108548 (VCV002108548.6), dbSNP rs2137521087, ClinGen allele CA387787207.